The following is an entry in ClinVar:

ClinVar aggregate classification (germline): Conflicting classifications of pathogenicity. Review status: criteria provided, conflicting classifications (1 of 4 stars). 3 submissions from 3 submitters: Uncertain significance (2); Likely benign (1). Last evaluated 2025-12-17.

Conditions:
Distal myopathy with posterior leg and anterior hand involvement. Also called: WILLIAMS DISTAL MYOPATHY. Identifiers: Orphanet 63273, MedGen C3279722, MONDO:0013550, OMIM 614065.
Myofibrillar myopathy 5. Also called: FILAMINOPATHY, AUTOSOMAL DOMINANT; Filaminopathy (type). Identifiers: Orphanet 171445, MedGen C1836050, MONDO:0012289, OMIM 609524.
Hypertrophic cardiomyopathy 26. Also called: Cardiomyopathy, familial hypertrophic, 26. Identifiers: Orphanet 75249, MedGen C4310749, MONDO:0014883, OMIM 617047.
Cardiovascular phenotype. Identifiers: MedGen CN230736.

gnomAD v4.1: 1 of 1,612,804 alleles (0.000062%); highest among the groups gnomAD compares: African/African-American, 0.0013%; no homozygotes.

Submissions (3):

Labcorp Genetics (formerly Invitae), Labcorp
Classification: Uncertain significance for Distal myopathy with posterior leg and anterior hand involvement; Myofibrillar myopathy 5; Hypertrophic cardiomyopathy 26. Last evaluated: 2025-12-17. Review status: criteria provided, single submitter. Criteria: Invitae Variant Classification Sherloc (09022015). Collection method: clinical testing. Allele origin: germline.
Comment: This sequence change replaces aspartic acid, which is acidic and polar, with glycine, which is neutral and non-polar, at codon 16 of the FLNC protein (p.Asp16Gly). This variant is not present in population databases (gnomAD no frequency). This variant has not been reported in the literature in individuals affected with FLNC-related conditions. ClinVar contains an entry for this variant (Variation ID: 3895302). An algorithm developed to predict the effect of missense changes on protein structure and function (PolyPhen-2) suggests that this variant is likely to be tolerated. In summary, the available evidence is currently insufficient to determine the role of this variant in disease. Therefore, it has been classified as a Variant of Uncertain Significance.

Ambry Genetics
Classification: Uncertain significance for Cardiovascular phenotype. Last evaluated: 2025-09-25. Review status: criteria provided, single submitter. Criteria: Ambry Variant Classification Scheme 2023. Collection method: clinical testing. Allele origin: germline.
Comment: The p.D16G variant (also known as c.47A>G), located in coding exon 1 of the FLNC gene, results from an A to G substitution at nucleotide position 47. The aspartic acid at codon 16 is replaced by glycine, an amino acid with similar properties. This amino acid position is conserved. In addition, this alteration is predicted to be tolerated by in silico analysis. Based on the available evidence, the clinical significance of this variant remains unclear.

Molecular Diagnostic Laboratory for Inherited Cardiovascular Disease, Montreal Heart Institute
Classification: Likely benign. Last evaluated: 2025-04-09. Review status: criteria provided, single submitter. Criteria: ACMG Guidelines, 2015. Collection method: clinical testing. Allele origin: germline. Affected: no.
Comment: PM2, BP4

NM_001458.5(FLNC):c.47A>G (p.Asp16Gly)

Gene: FLNC (filamin C; plus strand). Cytogenetic location: 7q32.1.
Variant type: single nucleotide variant.
Coding change: c.47A>G on transcript NM_001458.5 (MANE Select); coding-DNA position 47, A replaced by G.
Protein change: p.Asp16Gly; replaces aspartic acid 16 with glycine.
Molecular consequence: missense variant.
Genome position (GRCh38, 1-based): chr7:128,830,684, A>G. VCF-style: chr7-128830684-A-G. GRCh37 (hg19) VCF-style: chr7-128470738-A-G.
Other names: c.47A>G, p.Asp16Gly (NM_001127487.2); short protein forms D16G.
Identifiers: ClinVar variation 3895302 (VCV003895302.3), dbSNP rs1807849706.